The following is an entry in ClinVar:

ClinVar aggregate classification (germline): Conflicting classifications of pathogenicity. Review status: criteria provided, conflicting classifications (1 of 4 stars). 5 submissions from 5 submitters: Likely pathogenic (1); Uncertain significance (4). Last evaluated 2025-10-16.

Conditions:
Fetal akinesia deformation sequence 3. Identifiers: MedGen C4760599, MONDO:0100103, OMIM 618389.
Congenital myasthenic syndrome 10. Also called: Myasthenia, limb-girdle, familial. Identifiers: Orphanet 590, MedGen C1850792, MONDO:0009690, OMIM 254300.
Fetal akinesia deformation sequence 1 (FADS1). Also called: Fetal akinesia sequence; Pena-Shokeir syndrome type I. Identifiers: Orphanet 994, MedGen C1276035, MONDO:0100101, OMIM 208150, HP:0001989.

Allele frequency attached by ClinVar (database versions not stated): ExAC 0.00001; gnomAD 0.00001; gnomAD exomes 0.00001.
gnomAD v4.1: 24 of 1,613,802 alleles (0.0015%); highest among the groups gnomAD compares: Non-Finnish European, 0.0017%; no homozygotes.

Submissions (5):

3billion
Classification: Uncertain significance for Congenital myasthenic syndrome 10. Last evaluated: 2025-10-16. Review status: criteria provided, single submitter. Criteria: ACMG Guidelines, 2015. Collection method: clinical testing. Allele origin: germline. Affected: yes.
Comment: The variant is observed at an extremely low frequency in the gnomAD v4.1.0 dataset (total allele frequency: 0.001%). Predicted Consequence/Location: Missense variant. The majority of the known disease-causing variants of this gene are variants expected to result in premature termination of the protein. In silico tool predictions suggest damaging effect of the variant on gene or gene product [REVEL: 0.61 (>=0.6, sensitivity 0.68 and specificity 0.92); 3Cnet: 0.92 (> 0.75, sensitivity 0.96 and precision 0.92)]. The same nucleotide change resulting in the same amino acid change has been previously reported to be associated with DOK7-related disorder (ClinVar ID: VCV000942353). However, the evidence of pathogenicity is insufficient at this time. Therefore, this variant is classified as VUS according to the recommendation of ACMG/AMP guideline.

GeneDx
Classification: Uncertain significance. Last evaluated: 2024-11-11. Review status: criteria provided, single submitter. Criteria: GeneDx Variant Classification Process June 2021. Collection method: clinical testing. Allele origin: germline. Affected: yes.
Comment: Reported along with a second variant in the DOK7 gene in a patient with congenital myasthenic syndrome in the published literature; however, segregation information was not provided (PMID: 20458068); Not observed at significant frequency in large population cohorts (gnomAD); In silico analysis supports that this missense variant has a deleterious effect on protein structure/function; This variant is associated with the following publications: (PMID: 20012313, 20603078, 26198629, 20458068, 22661499, 20554332)

Women's Health and Genetics/Laboratory Corporation of America, LabCorp
Classification: Uncertain significance. Last evaluated: 2024-05-29. Review status: criteria provided, single submitter. Criteria: LabCorp Variant Classification Summary - May 2015. Collection method: clinical testing. Allele origin: germline.
Comment: Variant summary: DOK7 c.496G>A (p.Gly166Arg) results in a non-conservative amino acid change located in the IRS-type PTB domain (IPR002404) of the encoded protein sequence. Four of five in-silico tools predict a damaging effect of the variant on protein function. The variant allele was found at a frequency of 1.2e-05 in 250776 control chromosomes. The available data on variant occurrences in the general population are insufficient to allow any conclusion about variant significance. c.496G>A has been reported in the literature in one individual affected with Congenital Myasthenic Syndrome (Cossins_2012, Lashley_2010). These data do not allow any conclusion about variant significance. At least one publication reports experimental evidence evaluating an impact on protein function, however, does not allow convincing conclusions about the variant effect (Cossins_2012). The following publications have been ascertained in the context of this evaluation (PMID: 22661499, 20458068). ClinVar contains an entry for this variant (Variation ID: 942353). Based on the evidence outlined above, the variant was classified as uncertain significance.

Baylor Genetics
Classification: Likely pathogenic for Fetal akinesia deformation sequence 3. Last evaluated: 2023-10-29. Review status: criteria provided, single submitter. Criteria: ACMG Guidelines, 2015. Collection method: clinical testing. Allele origin: unknown.

Labcorp Genetics (formerly Invitae), Labcorp
Classification: Uncertain significance for Congenital myasthenic syndrome 10; Fetal akinesia deformation sequence 1. Last evaluated: 2022-02-06. Review status: criteria provided, single submitter. Criteria: Invitae Variant Classification Sherloc (09022015). Collection method: clinical testing. Allele origin: germline.
Comment: This sequence change replaces glycine, which is neutral and non-polar, with arginine, which is basic and polar, at codon 166 of the DOK7 protein (p.Gly166Arg). This variant is present in population databases (rs781227659, gnomAD 0.002%). This missense change has been observed in individual(s) with congenital myasthenic syndrome (PMID: 20458068). ClinVar contains an entry for this variant (Variation ID: 942353). Algorithms developed to predict the effect of missense changes on protein structure and function are either unavailable or do not agree on the potential impact of this missense change (SIFT: "Deleterious"; PolyPhen-2: "Probably Damaging"; Align-GVGD: "Class C15"). Experimental studies have shown that this missense change affects DOK7 function (PMID: 22661499). Algorithms developed to predict the effect of sequence changes on RNA splicing suggest that this variant may create or strengthen a splice site. In summary, the available evidence is currently insufficient to determine the role of this variant in disease. Therefore, it has been classified as a Variant of Uncertain Significance.

Literature cited by the submitters: PubMed 22661499 (cited by Women's Health and Genetics/Laboratory Corporation of America, LabCorp and Labcorp Genetics (formerly Invitae), Labcorp); PubMed 20458068 (cited by Women's Health and Genetics/Laboratory Corporation of America, LabCorp and Labcorp Genetics (formerly Invitae), Labcorp).

NM_173660.5(DOK7):c.496G>A (p.Gly166Arg)

Gene: DOK7 (docking protein 7; plus strand). Cytogenetic location: 4p16.3.
Variant type: single nucleotide variant.
Coding change: c.496G>A on transcript NM_173660.5 (MANE Select); coding-DNA position 496, G replaced by A.
Protein change: p.Gly166Arg; replaces glycine 166 with arginine.
Molecular consequence: missense variant. On other transcripts: intron variant (1).
Genome position (GRCh38, 1-based): chr4:3,476,506, G>A. VCF-style: chr4-3476506-G-A. GRCh37 (hg19) VCF-style: chr4-3478233-G-A.
Other names: c.496G>A, p.Gly166Arg (NM_001164673.2, NM_001301071.2); c.101-9033G>A (NM_001363811.2); short protein forms G166R.
Identifiers: ClinVar variation 942353 (VCV000942353.9), dbSNP rs781227659, ClinGen allele CA2829014.